The following is an entry in ClinVar:

NM_000059.4(BRCA2):c.6117A>C (p.Leu2039Phe)

Gene: BRCA2 (BRCA2 DNA repair associated; plus strand). Cytogenetic location: 13q13.1.
Variant type: single nucleotide variant.
Coding change: c.6117A>C on transcript NM_000059.4 (MANE Select); coding-DNA position 6117, A replaced by C.
Protein change: p.Leu2039Phe; replaces leucine 2039 with phenylalanine.
Molecular consequence: missense variant.
Genome position (GRCh38, 1-based): chr13:32,340,472, A>C. VCF-style: chr13-32340472-A-C. GRCh37 (hg19) VCF-style: chr13-32914609-A-C.
Other names: short protein forms L2039F.
Identifiers: ClinVar variation 566156 (VCV000566156.16), dbSNP rs1566233950, ClinGen allele CA387788152.
Genomic context (GRCh38, chr13:32,340,472, plus strand): 5'-CGAACATTCAGACCAGCTCACAAGAGAAGAAAATACTGCTATACGTACTCCAGAACATTT[A>C]ATATCCCAAAAAGGCTTTTCATATAATGTGGTAAATTCATCTGCTTTCTCTGGATTTAGT-3'
Protein context (NP_000050.3, residues 2029-2049): ENTAIRTPEH[Leu2039Phe]ISQKGFSYNV

ClinVar aggregate classification (germline): Conflicting classifications of pathogenicity. Review status: criteria provided, conflicting classifications (1 of 4 stars). 5 submissions from 5 submitters: Uncertain significance (4); Likely benign (1). Last evaluated 2026-01-11.

Conditions:
Hereditary cancer-predisposing syndrome. Also called: Neoplastic Syndromes, Hereditary; Tumor predisposition; Hereditary neoplastic syndrome; Hereditary Cancer Syndrome. Identifiers: Orphanet 140162, MedGen C0027672, MeSH D009386, MONDO:0015356.
Hereditary breast ovarian cancer syndrome. Also called: Hereditary breast and ovarian cancer syndrome (HBOC); Hereditary breast and ovarian cancer; Hereditary breast and/or ovarian cancer syndrome; Hereditary breast and ovarian cancer syndrome; Breast and ovarian cancer; BRCA1- and BRCA2-Associated Hereditary Breast and Ovarian Cancer. Identifiers: Orphanet 145, MedGen C0677776, MeSH D061325, MONDO:0003582. Disease mechanism: loss of function.

Allele frequency attached by ClinVar (database versions not stated): gnomAD exomes below 0.00001; TOPMed below 0.00001; gnomAD 0.00001.
gnomAD v4.1: 7 of 1,613,634 alleles (0.00043%); highest among the groups gnomAD compares: East Asian, 0.0067%; no homozygotes.

Submissions (5):

Labcorp Genetics (formerly Invitae), Labcorp
Classification: Uncertain significance for Hereditary breast ovarian cancer syndrome. Last evaluated: 2026-01-11. Review status: criteria provided, single submitter. Criteria: Invitae Variant Classification Sherloc (09022015). Collection method: clinical testing. Allele origin: germline.
Comment: This sequence change replaces leucine, which is neutral and non-polar, with phenylalanine, which is neutral and non-polar, at codon 2039 of the BRCA2 protein (p.Leu2039Phe). This variant is not present in population databases (gnomAD no frequency). This variant has not been reported in the literature in individuals affected with BRCA2-related conditions. ClinVar contains an entry for this variant (Variation ID: 566156). Invitae Evidence Modeling of protein sequence and biophysical properties (such as structural, functional, and spatial information, amino acid conservation, physicochemical variation, residue mobility, and thermodynamic stability) indicates that this missense variant is not expected to disrupt BRCA2 protein function with a negative predictive value of 95%. In summary, the available evidence is currently insufficient to determine the role of this variant in disease. Therefore, it has been classified as a Variant of Uncertain Significance.

Color Diagnostics, LLC DBA Color Health
Classification: Uncertain significance for Hereditary cancer-predisposing syndrome. Last evaluated: 2025-11-18. Review status: criteria provided, single submitter. Criteria: ACMG Guidelines, 2015. Collection method: clinical testing. Allele origin: germline.
Comment: This missense variant replaces leucine with phenylalanine at codon 2039 of the BRCA2 protein. Computational prediction suggests that this variant may not impact protein structure and function. To our knowledge, functional studies have not been reported for this variant. This variant has been reported in a breast cancer case-control study in 6/23671 unaffected individuals and absent in 7104 cases (PMID: 30287823) and in a breast cancer case-control meta-analysis in 1/60466 cases and absent in 53461 unaffected individuals (PMID: 33471991LOVD DB-ID BRCA2_006459). This variant also has been reported in a pancreatic cancer case-control study in 6/23705 unaffected individuals and absent in 1005 cases (PMID: 32980694) and in a prostate cancer case-control study in 4/7636 cases and 3/12366 unaffected individuals (PMID: 31214711). A multifactorial analysis reached a likelihood ratio (LR) of 11.794 based on case-control data (PMID: 40413188). This variant has been identified in 7/1613634 chromosomes in the general population by the Genome Aggregation Database (gnomAD). The available evidence is insufficient to determine the role of this variant in disease conclusively. Therefore, this variant is classified as a Variant of Uncertain Significance.

Ambry Genetics
Classification: Uncertain significance for Hereditary cancer-predisposing syndrome. Last evaluated: 2025-08-29. Review status: criteria provided, single submitter. Criteria: Ambry Variant Classification Scheme 2023. Collection method: clinical testing. Allele origin: germline.
Comment: The p.L2039F variant (also known as c.6117A>C), located in coding exon 10 of the BRCA2 gene, results from an A to C substitution at nucleotide position 6117. The leucine at codon 2039 is replaced by phenylalanine, an amino acid with highly similar properties. This alteration was not observed in 7,051 unselected female breast cancer patients and was observed with an allele frequency of 0.00027 in 11,241 female controls of Japanese ancestry. In addition, it was not observed in unselected male breast cancer patients and was observed with an allele frequency of 0.0002 in 12,490 male controls of Japanese ancestry (Momozawa Y et al. Nat Commun, 2018 Oct;9:4083). This amino acid position is poorly conserved in available vertebrate species. In addition, this alteration is predicted to be tolerated by in silico analysis. Since supporting evidence is limited at this time, the clinical significance of this alteration remains unclear.

University of Washington Department of Laboratory Medicine, University of Washington
Classification: Likely benign for Hereditary cancer-predisposing syndrome. Last evaluated: 2023-03-23. Review status: criteria provided, single submitter. Criteria: Dines et al. (Genet Med. 2020). Collection method: curation. Allele origin: germline.
Comment: Missense variant in a coldspot region where missense variants are very unlikely to be pathogenic (PMID:31911673).

BRCA2 exon 11 coldspot. Reclassification based on statistical prior probability.

Women's Health and Genetics/Laboratory Corporation of America, LabCorp
Classification: Uncertain significance. Last evaluated: 2019-12-15. Review status: criteria provided, single submitter. Criteria: LabCorp Variant Classification Summary - May 2015. Collection method: clinical testing. Allele origin: germline.
Comment: Variant summary: BRCA2 c.6117A>C (p.Leu2039Phe) results in a non-conservative amino acid change in the encoded protein sequence. Three of five in-silico tools predict a damaging effect of the variant on protein function. The variant was absent in 250942 control chromosomes. In the Japanese population, the variant was identified in at-least 3 out of 12,490 unaffected controls but not in any cases of breast cancer (Momozawa_2018). The available data on variant occurrences in the general population as well as in the Japanese subpopulation are insufficient to allow any conclusion about variant significance. To our knowledge, no occurrence of c.6117A>C in individuals affected with Hereditary Breast and Ovarian Cancer and no experimental evidence demonstrating its impact on protein function have been reported. At-least one co-occurrence with another pathogenic variant has been reported at our laboratory (BRCA1 c.188T>A, p.Leu63*), providing supporting evidence for a benign role. One clinical diagnostic laboratory has submitted clinical-significance assessments for this variant to ClinVar after 2014 without evidence for independent evaluation and classified the variant as uncertain significance. Based on the evidence outlined above, the variant was classified as uncertain significance.

Literature cited by the submitters: PubMed 30287823 (cited by 3 submitters); PubMed 31214711 (cited by Color Diagnostics, LLC DBA Color Health); PubMed 32980694 (cited by Color Diagnostics, LLC DBA Color Health); PubMed 33471991 (cited by Color Diagnostics, LLC DBA Color Health); PubMed 40413188 (cited by Color Diagnostics, LLC DBA Color Health).